The following is an entry in ClinVar:

ClinVar aggregate classification (germline): Uncertain significance (1 of 4 stars; one submission).

Conditions:
Developmental and epileptic encephalopathy, 11 (DEE11). Also called: Early infantile epileptic encephalopathy 11. Identifiers: Orphanet 1934, MedGen C3150987, MONDO:0013388, OMIM 613721.
Seizures, benign familial infantile, 3 (BFIS3). Also called: Familial neonatal seizures; CONVULSIONS, BENIGN FAMILIAL INFANTILE, 3. Identifiers: Orphanet 140927, Orphanet 306, MedGen C1843140, MONDO:0011904, OMIM 607745.

Submission:

Labcorp Genetics (formerly Invitae), Labcorp
Classification: Uncertain significance for Seizures, benign familial infantile, 3; Developmental and epileptic encephalopathy, 11. Last evaluated: 2025-05-02. Review status: criteria provided, single submitter. Criteria: Invitae Variant Classification Sherloc (09022015). Collection method: clinical testing. Allele origin: germline.
Comment: This sequence change replaces asparagine, which is neutral and polar, with lysine, which is basic and polar, at codon 1518 of the SCN2A protein (p.Asn1518Lys). This variant is not present in population databases (gnomAD no frequency). This variant has not been reported in the literature in individuals affected with SCN2A-related conditions. An algorithm developed to predict the effect of missense changes on protein structure and function (PolyPhen-2) suggests that this variant is likely to be disruptive. In summary, the available evidence is currently insufficient to determine the role of this variant in disease. Therefore, it has been classified as a Variant of Uncertain Significance.

NM_001040142.2(SCN2A):c.4554C>A (p.Asn1518Lys)

Gene: SCN2A (sodium voltage-gated channel alpha subunit 2; plus strand). Cytogenetic location: 2q24.3.
Variant type: single nucleotide variant.
Coding change: c.4554C>A on transcript NM_001040142.2 (MANE Select); coding-DNA position 4554, C replaced by A.
Protein change: p.Asn1518Lys; replaces asparagine 1518 with lysine.
Molecular consequence: missense variant.
Genome position (GRCh38, 1-based): chr2:165,386,748, C>A. VCF-style: chr2-165386748-C-A. GRCh37 (hg19) VCF-style: chr2-166243258-C-A.
Other names: c.4554C>A, p.Asn1518Lys (NM_001040143.2, NM_001371246.1, NM_001371247.1 and 1 more transcripts); short protein forms N1518K.
Identifiers: ClinVar variation 4793005 (VCV004793005.1).